The following is an entry in ClinVar:

NM_000929.3(PLA2G5):c.326C>T (p.Ala109Val)

Gene: PLA2G5 (phospholipase A2 group V; plus strand). Cytogenetic location: 1p36.13.
Variant type: single nucleotide variant.
Coding change: c.326C>T on transcript NM_000929.3 (MANE Select); coding-DNA position 326, C replaced by T.
Protein change: p.Ala109Val; replaces alanine 109 with valine.
Molecular consequence: missense variant.
Genome position (GRCh38, 1-based): chr1:20,090,601, C>T. VCF-style: chr1-20090601-C-T. GRCh37 (hg19) VCF-style: chr1-20417094-C-T.
Other names: short protein forms A109V.
Identifiers: ClinVar variation 1490973 (VCV001490973.6), dbSNP rs1332920433, ClinGen allele CA338822776.

ClinVar aggregate classification (germline): Uncertain significance (1 of 4 stars; one submission).

Allele frequency attached by ClinVar (database versions not stated): TOPMed below 0.00001; gnomAD 0.00001; gnomAD exomes 0.00001.
gnomAD v4.1: 14 of 1,613,810 alleles (0.00087%); highest among the groups gnomAD compares: Non-Finnish European, 0.0012%; no homozygotes.

Submission:

Labcorp Genetics (formerly Invitae), Labcorp
Classification: Uncertain significance. Last evaluated: 2025-12-21. Review status: criteria provided, single submitter. Criteria: Invitae Variant Classification Sherloc (09022015). Collection method: clinical testing. Allele origin: germline.
Comment: This sequence change replaces alanine, which is neutral and non-polar, with valine, which is neutral and non-polar, at codon 109 of the PLA2G5 protein (p.Ala109Val). This variant is present in population databases (no rsID available, gnomAD 0.007%). This variant has not been reported in the literature in individuals affected with PLA2G5-related conditions. ClinVar contains an entry for this variant (Variation ID: 1490973). An algorithm developed to predict the effect of missense changes on protein structure and function (PolyPhen-2) suggests that this variant is likely to be tolerated. In summary, the available evidence is currently insufficient to determine the role of this variant in disease. Therefore, it has been classified as a Variant of Uncertain Significance.